The following is an entry in ClinVar:

NM_001271803.2(REEP2):c.1A>G (p.Met1Val)

Genes: REEP2 (receptor accessory protein 2; plus strand), LOC129994740 (ATAC-STARR-seq lymphoblastoid silent region 16395; plus strand). Cytogenetic location: 5q31.2.
Variant type: single nucleotide variant.
Coding change: c.1A>G on transcript NM_001271803.2 (MANE Select); coding-DNA position 1, A replaced by G.
Protein change: p.Met1Val; changes the start codon (methionine 1).
Molecular consequence: missense variant, initiator codon variant. On other transcripts: non-coding transcript variant (2).
Genome position (GRCh38, 1-based): chr5:138,439,209, A>G. VCF-style: chr5-138439209-A-G. GRCh37 (hg19) VCF-style: chr5-137774898-A-G.
Other names: c.1A>G, p.Met1Val (NM_016606.4); short protein forms M1V.
Identifiers: ClinVar variation 1060404 (VCV001060404.9), dbSNP rs2127020121, ClinGen allele CA361099544.

ClinVar aggregate classification (germline): Uncertain significance (1 of 4 stars; one submission).

Conditions:
Hereditary spastic paraplegia 72 (SPG72A). Also called: Spastic paraplegia 72, autosomal recessive. Identifiers: Orphanet 401849, MedGen C5882669, MONDO:0014282, OMIM 615625.

Allele frequency attached by ClinVar (database versions not stated): gnomAD exomes below 0.00001.

Submission:

Labcorp Genetics (formerly Invitae), Labcorp
Classification: Uncertain significance for Hereditary spastic paraplegia 72. Last evaluated: 2024-04-04. Review status: criteria provided, single submitter. Criteria: Invitae Variant Classification Sherloc (09022015). Collection method: clinical testing. Allele origin: germline.
Comment: This sequence change affects the initiator methionine of the REEP2 mRNA. The next in-frame methionine is located at codon 39. This variant is not present in population databases (gnomAD no frequency). Disruption of the initiator codon has been observed in individual(s) with autosomal recessive hereditary spastic paraplegia (PMID: 24482476). ClinVar contains an entry for this variant (Variation ID: 1060404). In summary, the available evidence is currently insufficient to determine the role of this variant in disease. Therefore, it has been classified as a Variant of Uncertain Significance.

Literature cited by the submitters: PubMed 24482476.